The following is an entry in ClinVar:

NM_001003800.2(BICD2):c.2450C>T (p.Thr817Ile)

Gene: BICD2 (BICD cargo adaptor 2; minus strand). Cytogenetic location: 9q22.31.
Variant type: single nucleotide variant.
Coding change: c.2450C>T on transcript NM_001003800.2 (MANE Select); coding-DNA position 2450, C replaced by T.
Protein change: p.Thr817Ile; replaces threonine 817 with isoleucine.
Molecular consequence: missense variant.
Genome position (GRCh38, 1-based): chr9:92,715,272, G>A on the plus strand (C>T on the coding strand, the complement: BICD2 is on the minus strand). VCF-style: chr9-92715272-G-A. GRCh37 (hg19) VCF-style: chr9-95477554-G-A.
Other names: c.2450C>T, p.Thr817Ile (NM_015250.4); short protein forms T817I.
Identifiers: ClinVar variation 3717924 (VCV003717924.2).

ClinVar aggregate classification (germline): Uncertain significance (1 of 4 stars; one submission).

Conditions:
Autosomal dominant childhood-onset proximal spinal muscular atrophy with contractures (SMALED2A). Also called: Spinal muscular atrophy, lower extremity-predominant, 2A, autosomal dominant; SPINAL MUSCULAR ATROPHY, LOWER EXTREMITY-PREDOMINANT, 2A, CHILDHOOD ONSET, AUTOSOMAL DOMINANT. Identifiers: Orphanet 363447, Orphanet 363454, MedGen C4747715, MONDO:0014121, OMIM 615290.

gnomAD v4.1: 5 of 1,612,906 alleles (0.00031%); highest among the groups gnomAD compares: Admixed American, 0.0083%; no homozygotes.

Submission:

Labcorp Genetics (formerly Invitae), Labcorp
Classification: Uncertain significance for Autosomal dominant childhood-onset proximal spinal muscular atrophy with contractures. Last evaluated: 2024-10-02. Review status: criteria provided, single submitter. Criteria: Invitae Variant Classification Sherloc (09022015). Collection method: clinical testing. Allele origin: germline.
Comment: This sequence change replaces threonine, which is neutral and polar, with isoleucine, which is neutral and non-polar, at codon 817 of the BICD2 protein (p.Thr817Ile). This variant is present in population databases (no rsID available, gnomAD 0.01%). This variant has not been reported in the literature in individuals affected with BICD2-related conditions. Invitae Evidence Modeling of protein sequence and biophysical properties (such as structural, functional, and spatial information, amino acid conservation, physicochemical variation, residue mobility, and thermodynamic stability) indicates that this missense variant is not expected to disrupt BICD2 protein function with a negative predictive value of 80%. In summary, the available evidence is currently insufficient to determine the role of this variant in disease. Therefore, it has been classified as a Variant of Uncertain Significance.